The following is an entry in ClinVar:

ClinVar aggregate classification (germline): Conflicting classifications of pathogenicity. Review status: criteria provided, conflicting classifications (1 of 4 stars). 4 submissions from 4 submitters: Uncertain significance (3); Likely benign (1). Last evaluated 2026-07-01.

Conditions:
Cardiovascular phenotype. Identifiers: MedGen CN230736.

Allele frequency attached by ClinVar (database versions not stated): TOPMed 0.00007.
gnomAD v4.1: 177 of 1,612,492 alleles (0.011%); highest among the groups gnomAD compares: Non-Finnish European, 0.014%; no homozygotes.

Submissions (4):

CeGaT Center for Human Genetics Tuebingen
Classification: Likely benign. Last evaluated: 2026-07-01. Review status: criteria provided, single submitter. Criteria: CeGaT Center For Human Genetics Tuebingen Variant Classification Criteria Version 2. Collection method: clinical testing. Allele origin: germline. Affected: yes. Observed: 1 variant allele.
Comment: TNXB: BS2

Women's Health and Genetics/Laboratory Corporation of America, LabCorp
Classification: Uncertain significance. Last evaluated: 2026-01-13. Review status: criteria provided, single submitter. Criteria: LabCorp Variant Classification Summary - May 2015. Collection method: clinical testing. Allele origin: germline.
Comment: Variant summary: TNXB c.6287C>A (p.Pro2096Gln) results in a non-conservative amino acid change in the encoded protein sequence. Algorithms developed to predict the effect of missense changes on protein structure and function are either unavailable or do not agree on the potential impact of this missense change. The variant allele was found at a frequency of 5.7e-05 in 245658 control chromosomes. This frequency is not significantly higher than estimated for disease-causing variants in TNXB, allowing no conclusion about variant significance. To our knowledge, no occurrence of c.6287C>A in individuals affected with TNXB-related conditions and no experimental evidence demonstrating its impact on protein function have been reported. ClinVar contains an entry for this variant (Variation ID: 1752623). Based on the evidence outlined above, the variant was classified as uncertain significance.

GeneDx
Classification: Uncertain significance. Last evaluated: 2025-01-29. Review status: criteria provided, single submitter. Criteria: GeneDx Variant Classification Process June 2021. Collection method: clinical testing. Allele origin: germline. Affected: yes.
Comment: Has not been previously published as pathogenic or benign to our knowledge; In silico analysis supports that this missense variant has a deleterious effect on protein structure/function

Ambry Genetics
Classification: Uncertain significance for Cardiovascular phenotype. Last evaluated: 2024-10-25. Review status: criteria provided, single submitter. Criteria: Ambry Variant Classification Scheme 2023. Collection method: clinical testing. Allele origin: germline.

NM_001365276.2(TNXB):c.6287C>A (p.Pro2096Gln)

Gene: TNXB (tenascin XB; minus strand). Cytogenetic location: 6p21.33.
Variant type: single nucleotide variant.
Coding change: c.6287C>A on transcript NM_001365276.2 (MANE Select); coding-DNA position 6287, C replaced by A.
Protein change: p.Pro2096Gln; replaces proline 2096 with glutamine.
Molecular consequence: missense variant.
Genome position (GRCh38, 1-based): chr6:32,067,918, G>T on the plus strand (C>A on the coding strand, the complement: TNXB is on the minus strand). VCF-style: chr6-32067918-G-T. GRCh37 (hg19) VCF-style: chr6-32035695-G-T.
Other names: c.6287C>A, p.Pro2096Gln (NM_019105.8); short protein forms P2096Q.
Identifiers: ClinVar variation 1752623 (VCV001752623.8), dbSNP rs534135812, ClinGen allele CA3734478.
Genomic context (GRCh38, chr6:32,067,918, plus strand): 5'-GTCCAGGAGAGGCTCAGCGAGTCAGGGGAGGATCCTGTCACTGTTAGCTCCCCCAGGAGC[G>T]GCTCCTCAGCGGGCTCCGGGGCCTCCATGCTGGGTTCTGTGGGGCTGGGGGTCTCTTCCT-3'
Protein context (NP_001352205.1, residues 2086-2106): SMEAPEPAEE[Pro2096Gln]LLGELTVTGS